The following is an entry in ClinVar:

ClinVar aggregate classification (germline): Uncertain significance (1 of 4 stars; one submission).

Conditions:
Alstrom syndrome (ALMS). Identifiers: Orphanet 64, MedGen C0268425, MONDO:0008763, OMIM 203800.

Allele frequency attached by ClinVar (database versions not stated): gnomAD exomes below 0.00001.
gnomAD v4.1: 3 of 1,613,040 alleles (0.00019%); highest among the groups gnomAD compares: Non-Finnish European, 0.00025%; no homozygotes.

Submission:

Labcorp Genetics (formerly Invitae), Labcorp
Classification: Uncertain significance for Alstrom syndrome. Last evaluated: 2022-03-06. Review status: criteria provided, single submitter. Criteria: Invitae Variant Classification Sherloc (09022015). Collection method: clinical testing. Allele origin: germline.
Comment: This sequence change replaces serine, which is neutral and polar, with phenylalanine, which is neutral and non-polar, at codon 1365 of the ALMS1 protein (p.Ser1365Phe). This variant is not present in population databases (gnomAD no frequency). This variant has not been reported in the literature in individuals affected with ALMS1-related conditions. Experimental studies and prediction algorithms are not available or were not evaluated, and the functional significance of this variant is currently unknown. In summary, the available evidence is currently insufficient to determine the role of this variant in disease. Therefore, it has been classified as a Variant of Uncertain Significance.

NM_001378454.1(ALMS1):c.4091C>T (p.Ser1364Phe)

Gene: ALMS1 (ALMS1 centrosome and basal body associated protein; plus strand). Cytogenetic location: 2p13.1.
Variant type: single nucleotide variant.
Coding change: c.4091C>T on transcript NM_001378454.1 (MANE Select); coding-DNA position 4091, C replaced by T.
Protein change: p.Ser1364Phe; replaces serine 1364 with phenylalanine.
Molecular consequence: missense variant.
Genome position (GRCh38, 1-based): chr2:73,450,618, C>T. VCF-style: chr2-73450618-C-T. GRCh37 (hg19) VCF-style: chr2-73677745-C-T.
Other names: c.4094C>T, p.Ser1365Phe (NM_015120.4); short protein forms S1364F, S1365F.
Identifiers: ClinVar variation 2166089 (VCV002166089.1), dbSNP rs2466100508, ClinGen allele CA347277441.
Genomic context (GRCh38, chr2:73,450,618, plus strand): 5'-ACCAACAGGTCTTGCCACATAGTCATCCAACTGAAGAGGCTCTGAAAATTTCAGTTGCCT[C>T]TGAACCAGTTGACCAGACAACTGGCACACCAACTGTAACCTCTACTTCTTACTCACAACA-3'
Protein context (NP_001365383.1, residues 1354-1374): TEEALKISVA[Ser1364Phe]EPVDQTTGTP